The following is an entry in ClinVar:

ClinVar aggregate classification (germline): Uncertain significance (1 of 4 stars; one submission).

Submission:

Labcorp Genetics (formerly Invitae), Labcorp
Classification: Uncertain significance. Last evaluated: 2023-02-21. Review status: criteria provided, single submitter. Criteria: Invitae Variant Classification Sherloc (09022015). Collection method: clinical testing. Allele origin: germline.
Comment: This variant is not present in population databases (gnomAD no frequency). This sequence change replaces proline, which is neutral and non-polar, with serine, which is neutral and polar, at codon 3011 of the KMT2A protein (p.Pro3011Ser). In summary, the available evidence is currently insufficient to determine the role of this variant in disease. Therefore, it has been classified as a Variant of Uncertain Significance. This variant has not been reported in the literature in individuals affected with KMT2A-related conditions. Advanced modeling of protein sequence and biophysical properties (such as structural, functional, and spatial information, amino acid conservation, physicochemical variation, residue mobility, and thermodynamic stability) performed at Invitae indicates that this missense variant is not expected to disrupt KMT2A protein function.

NM_001197104.2(KMT2A):c.9031C>T (p.Pro3011Ser)

Gene: KMT2A (lysine methyltransferase 2A; plus strand). Cytogenetic location: 11q23.3.
Variant type: single nucleotide variant.
Coding change: c.9031C>T on transcript NM_001197104.2 (MANE Select); coding-DNA position 9031, C replaced by T.
Protein change: p.Pro3011Ser; replaces proline 3011 with serine.
Molecular consequence: missense variant.
Genome position (GRCh38, 1-based): chr11:118,504,923, C>T. VCF-style: chr11-118504923-C-T. GRCh37 (hg19) VCF-style: chr11-118375638-C-T.
Other names: c.9121C>T, p.Pro3041Ser (NM_001412597.1); c.9022C>T, p.Pro3008Ser (NM_005933.4); short protein forms P3011S, P3041S, P3008S.
Identifiers: ClinVar variation 2839623 (VCV002839623.3), dbSNP rs1950555877, ClinGen allele CA382817864.